The following is an entry in ClinVar:

NM_000263.4(NAGLU):c.1181C>T (p.Thr394Ile)

Gene: NAGLU (N-acetyl-alpha-glucosaminidase; plus strand). Cytogenetic location: 17q21.2.
Variant type: single nucleotide variant.
Coding change: c.1181C>T on transcript NM_000263.4 (MANE Select); coding-DNA position 1181, C replaced by T.
Protein change: p.Thr394Ile; replaces threonine 394 with isoleucine.
Molecular consequence: missense variant.
Genome position (GRCh38, 1-based): chr17:42,543,187, C>T. VCF-style: chr17-42543187-C-T. GRCh37 (hg19) VCF-style: chr17-40695205-C-T.
Other names: short protein forms T394I.
Identifiers: ClinVar variation 1803324 (VCV001803324.1), dbSNP rs2092926046, ClinGen allele CA399601330.

ClinVar aggregate classification (germline): Uncertain significance (1 of 4 stars; one submission).

Submission:

GeneDx
Classification: Uncertain significance. Last evaluated: 2022-06-08. Review status: criteria provided, single submitter. Criteria: GeneDx Variant Classification Process June 2021. Collection method: clinical testing. Allele origin: germline. Affected: yes.
Comment: Not observed at significant frequency in large population cohorts (gnomAD); In silico analysis supports that this missense variant does not alter protein structure/function; Has not been previously published as pathogenic or benign to our knowledge